The following is an entry in ClinVar:

NM_022168.4(IFIH1):c.2441T>C (p.Ile814Thr)

Gene: IFIH1 (interferon induced with helicase C domain 1; minus strand). Cytogenetic location: 2q24.2.
Variant type: single nucleotide variant.
Coding change: c.2441T>C on transcript NM_022168.4 (MANE Select); coding-DNA position 2441, T replaced by C.
Protein change: p.Ile814Thr; replaces isoleucine 814 with threonine.
Molecular consequence: missense variant.
Genome position (GRCh38, 1-based): chr2:162,273,808, A>G on the plus strand (T>C on the coding strand, the complement: IFIH1 is on the minus strand). VCF-style: chr2-162273808-A-G. GRCh37 (hg19) VCF-style: chr2-163130318-A-G.
Other names: short protein forms I814T.
Identifiers: ClinVar variation 3370862 (VCV003370862.1).

ClinVar aggregate classification (germline): Uncertain significance (1 of 4 stars; one submission).

Submission:

GeneDx
Classification: Uncertain significance. Last evaluated: 2024-03-12. Review status: criteria provided, single submitter. Criteria: GeneDx Variant Classification Process June 2021. Collection method: clinical testing. Allele origin: germline. Affected: yes.
Comment: Not observed at significant frequency in large population cohorts (gnomAD); In silico analysis supports that this missense variant has a deleterious effect on protein structure/function; Has not been previously published as pathogenic or benign to our knowledge